The following is an entry in ClinVar:

ClinVar aggregate classification (germline): Conflicting classifications of pathogenicity. Review status: criteria provided, conflicting classifications (1 of 4 stars). 2 submissions from 2 submitters: Uncertain significance (1); Likely benign (1). Last evaluated 2025-12-04.

Conditions:
Inborn genetic diseases. Identifiers: MedGen C0950123, MeSH D030342.

Allele frequency attached by ClinVar (database versions not stated): 1000 Genomes Project 30x 0.00047; 1000 Genomes Project 0.00040; ESP Exome Variant Server 0.00041; TOPMed 0.00044; gnomAD exomes 0.00003; ExAC 0.00023; gnomAD 0.00038.
gnomAD v4.1: 107 of 1,566,202 alleles (0.0068%); highest among the groups gnomAD compares: African/African-American, 0.12%; no homozygotes.

Submissions (2):

Ambry Genetics
Classification: Likely benign for Inborn genetic diseases. Last evaluated: 2025-12-04. Review status: criteria provided, single submitter. Criteria: Ambry Variant Classification Scheme 2023. Collection method: clinical testing. Allele origin: germline.

Women's Health and Genetics/Laboratory Corporation of America, LabCorp
Classification: Uncertain significance. Last evaluated: 2025-05-20. Review status: criteria provided, single submitter. Criteria: LabCorp Variant Classification Summary - May 2015. Collection method: clinical testing. Allele origin: germline.
Comment: Variant summary: ANKLE2 c.2761G>A (p.Val921Met) results in a conservative amino acid change in the encoded protein sequence. Algorithms developed to predict the effect of missense changes on protein structure and function are either unavailable or do not agree on the potential impact of this missense change. The variant allele was found at a frequency of 6.4e-05 in 172698 control chromosomes. This frequency is not significantly higher than estimated for a pathogenic variant in ANKLE2 causing Microcephaly 16, Primary, Autosomal Recessive, allowing no conclusion about variant significance. To our knowledge, no occurrence of c.2761G>A in individuals affected with Microcephaly 16, Primary, Autosomal Recessive and no experimental evidence demonstrating its impact on protein function have been reported. ClinVar contains an entry for this variant (Variation ID: 2354885). Based on the evidence outlined above, the variant was classified as uncertain significance.

NM_015114.3(ANKLE2):c.2761G>A (p.Val921Met)

Gene: ANKLE2 (ankyrin repeat and LEM domain containing 2; minus strand). Cytogenetic location: 12q24.33.
Variant type: single nucleotide variant.
Coding change: c.2761G>A on transcript NM_015114.3 (MANE Select); coding-DNA position 2761, G replaced by A.
Protein change: p.Val921Met; replaces valine 921 with methionine.
Molecular consequence: missense variant.
Genome position (GRCh38, 1-based): chr12:132,727,298, C>T on the plus strand (G>A on the coding strand, the complement: ANKLE2 is on the minus strand). VCF-style: chr12-132727298-C-T. GRCh37 (hg19) VCF-style: chr12-133303884-C-T.
Other names: short protein forms V921M.
Identifiers: ClinVar variation 2354885 (VCV002354885.4), dbSNP rs200398705, ClinGen allele CA6895113.